The following is an entry in ClinVar:

ClinVar aggregate classification (germline): Uncertain significance (1 of 4 stars; one submission).

Conditions:
Genitopatellar syndrome (GTPTS). Also called: Genitopatellar syndrome (GPS); ABSENT PATELLAE, SCROTAL HYPOPLASIA, RENAL ANOMALIES, FACIAL DYSMORPHISM, AND MENTAL RETARDATION. Identifiers: Orphanet 85201, MedGen C1853566, MONDO:0011640, OMIM 606170.

Allele frequency attached by ClinVar (database versions not stated): gnomAD exomes below 0.00001; TOPMed 0.00002; gnomAD 0.00003.
gnomAD v4.1: 9 of 1,614,042 alleles (0.00056%); highest among the groups gnomAD compares: African/African-American, 0.011%; no homozygotes.

Submission:

Labcorp Genetics (formerly Invitae), Labcorp
Classification: Uncertain significance for Genitopatellar syndrome. Last evaluated: 2022-04-05. Review status: criteria provided, single submitter. Criteria: Invitae Variant Classification Sherloc (09022015). Collection method: clinical testing. Allele origin: germline.
Comment: This sequence change replaces leucine, which is neutral and non-polar, with phenylalanine, which is neutral and non-polar, at codon 1849 of the KAT6B protein (p.Leu1849Phe). This variant is present in population databases (no rsID available, gnomAD 0.008%). This variant has not been reported in the literature in individuals affected with KAT6B-related conditions. Algorithms developed to predict the effect of missense changes on protein structure and function are either unavailable or do not agree on the potential impact of this missense change (SIFT: "Tolerated"; PolyPhen-2: "Probably Damaging"; Align-GVGD: "Class C0"). In summary, the available evidence is currently insufficient to determine the role of this variant in disease. Therefore, it has been classified as a Variant of Uncertain Significance.

NM_012330.4(KAT6B):c.5547G>T (p.Leu1849Phe)

Gene: KAT6B (lysine acetyltransferase 6B; plus strand). Cytogenetic location: 10q22.2.
Variant type: single nucleotide variant.
Coding change: c.5547G>T on transcript NM_012330.4 (MANE Select); coding-DNA position 5547, G replaced by T.
Protein change: p.Leu1849Phe; replaces leucine 1849 with phenylalanine.
Molecular consequence: missense variant.
Genome position (GRCh38, 1-based): chr10:75,030,371, G>T. VCF-style: chr10-75030371-G-T. GRCh37 (hg19) VCF-style: chr10-76790129-G-T.
Other names: c.4998G>T, p.Leu1666Phe (NM_001256468.2, NM_001370138.1); c.4671G>T, p.Leu1557Phe (NM_001256469.2, NM_001370139.1, NM_001370140.1 and 2 more transcripts); c.4509G>T, p.Leu1503Phe (NM_001370132.1); c.3858G>T, p.Leu1286Phe (NM_001370133.1); c.3462G>T, p.Leu1154Phe (NM_001370134.1); c.3204G>T, p.Leu1068Phe (NM_001370135.1); c.5547G>T, p.Leu1849Phe (NM_001370136.1, NM_001370137.1); c.4482G>T, p.Leu1494Phe (NM_001370143.1, NM_001370144.1); short protein forms L1557F, L1154F, L1286F, L1666F, L1849F, L1068F, L1494F, L1503F.
Identifiers: ClinVar variation 2047404 (VCV002047404.4), dbSNP rs927634610, ClinGen allele CA209710799.